The following is an entry in ClinVar:

NM_000304.4(PMP22):c.278G>C (p.Gly93Ala)

Gene: PMP22 (peripheral myelin protein 22; minus strand). Cytogenetic location: 17p12.
Variant type: single nucleotide variant.
Coding change: c.278G>C on transcript NM_000304.4 (MANE Select); coding-DNA position 278, G replaced by C.
Protein change: p.Gly93Ala; replaces glycine 93 with alanine.
Molecular consequence: missense variant. On other transcripts: non-coding transcript variant (2).
Genome position (GRCh38, 1-based): chr17:15,239,512, C>G on the plus strand (G>C on the coding strand, the complement: PMP22 is on the minus strand). VCF-style: chr17-15239512-C-G. GRCh37 (hg19) VCF-style: chr17-15142829-C-G.
Other names: c.278G>C, p.Gly93Ala (NM_001281455.2, NM_001281456.2, NM_001330143.2 and 2 more transcripts); c.278G>C (NM_000304.3); short protein forms G93A.
Identifiers: ClinVar variation 2081286 (VCV002081286.6), dbSNP rs757021177, ClinGen allele CA8403372.
Genomic context (GRCh38, chr17:15,239,512, plus strand): 5'-TTTACCATCCACAACTTACCAGCAAGAATTTGGAAGATTCCAGTGATGTAAAACCTGCCC[C>G]CCTTGGTGAGGGTGAAGAGTTGGCAGAAGAACAGGAACAGAGACAGAATGCTGAAGATGA-3'
Protein context (NP_000295.1, residues 83-103): FFCQLFTLTK[Gly93Ala]GRFYITGIFQ

ClinVar aggregate classification (germline): Uncertain significance. Review status: criteria provided, multiple submitters, no conflicts (2 of 4 stars). 3 submissions from 3 submitters: Uncertain significance (3). Last evaluated 2025-04-09.

Conditions:
PMP22-related disorder. Also called: PMP22-related condition; PMP22-related disorders.
Charcot-Marie-Tooth disease, type I (CMT1). Also called: Charcot-Marie-Tooth, Type 1; Charcot-Marie-Tooth disease type 1. Identifiers: Orphanet 65753, MedGen C0751036, MONDO:0019011.

Allele frequency attached by ClinVar (database versions not stated): ExAC 0.00001; TOPMed 0.00002.
gnomAD v4.1: 8 of 1,614,032 alleles (0.0005%); highest among the groups gnomAD compares: Non-Finnish European, 0.00059%; no homozygotes.

Submissions (3):

Labcorp Genetics (formerly Invitae), Labcorp
Classification: Uncertain significance for Charcot-Marie-Tooth disease, type I. Last evaluated: 2025-04-09. Review status: criteria provided, single submitter. Criteria: Invitae Variant Classification Sherloc (09022015). Collection method: clinical testing. Allele origin: germline.
Comment: This sequence change replaces glycine, which is neutral and non-polar, with alanine, which is neutral and non-polar, at codon 93 of the PMP22 protein (p.Gly93Ala). This variant is present in population databases (rs757021177, gnomAD 0.003%). This variant has not been reported in the literature in individuals affected with PMP22-related conditions. ClinVar contains an entry for this variant (Variation ID: 2081286). An algorithm developed to predict the effect of missense changes on protein structure and function (PolyPhen-2) suggests that this variant is likely to be disruptive. In summary, the available evidence is currently insufficient to determine the role of this variant in disease. Therefore, it has been classified as a Variant of Uncertain Significance.

Center for Genomic Medicine, Rigshospitalet, Copenhagen University Hospital
Classification: Uncertain significance. Last evaluated: 2025-03-04. Review status: criteria provided, single submitter. Criteria: ACMG Guidelines, 2015. Collection method: clinical testing. Allele origin: germline.

PreventionGenetics, part of Exact Sciences
Classification: Uncertain significance for PMP22-related condition. Last evaluated: 2025-02-15. Review status: criteria provided, single submitter. Criteria: ACMG Guidelines, 2015. Collection method: clinical testing. Allele origin: germline.
Comment: The PMP22 c.278G>C variant is predicted to result in the amino acid substitution p.Gly93Ala. To our knowledge, this variant has not been reported in the literature. This variant is reported in 0.0026% of alleles in individuals of European (Non-Finnish) descent in gnomAD. At this time, the clinical significance of this variant is uncertain due to the absence of conclusive functional and genetic evidence.

Literature cited by the submitters: PubMed 26102530 (cited by Center for Genomic Medicine, Rigshospitalet, Copenhagen University Hospital).